The following is an entry in ClinVar:

NM_001220.5(CAMK2B):c.1612A>T (p.Ile538Phe)

Gene: CAMK2B (calcium/calmodulin dependent protein kinase II beta; minus strand). Cytogenetic location: 7p13.
Variant type: single nucleotide variant.
Coding change: c.1612A>T on transcript NM_001220.5 (MANE Select); coding-DNA position 1612, A replaced by T.
Protein change: p.Ile538Phe; replaces isoleucine 538 with phenylalanine.
Molecular consequence: missense variant.
Genome position (GRCh38, 1-based): chr7:44,220,887, T>A on the plus strand (A>T on the coding strand, the complement: CAMK2B is on the minus strand). VCF-style: chr7-44220887-T-A. GRCh37 (hg19) VCF-style: chr7-44260486-T-A.
Other names: c.1240A>T, p.Ile414Phe (NM_001293170.2, NM_172078.3); c.1168A>T, p.Ile390Phe (NM_172079.3, NM_172082.3); c.1165A>T, p.Ile389Phe (NM_172080.3); c.1123A>T, p.Ile375Phe (NM_172081.3); c.1051A>T, p.Ile351Phe (NM_172083.3); c.961A>T, p.Ile321Phe (NM_172084.3); short protein forms I351F, I375F, I390F, I321F, I389F, I414F, I538F.
Identifiers: ClinVar variation 1388706 (VCV001388706.6), dbSNP rs2128862639, ClinGen allele CA367370090.

ClinVar aggregate classification (germline): Uncertain significance (1 of 4 stars; one submission).

Allele frequency attached by ClinVar (database versions not stated): gnomAD exomes below 0.00001.
gnomAD v4.1: 2 of 1,569,556 alleles (0.00013%); highest among the groups gnomAD compares: African/African-American, 0.0013%; no homozygotes.

Submission:

Labcorp Genetics (formerly Invitae), Labcorp
Classification: Uncertain significance. Last evaluated: 2022-08-23. Review status: criteria provided, single submitter. Criteria: Invitae Variant Classification Sherloc (09022015). Collection method: clinical testing. Allele origin: germline.
Comment: This sequence change replaces isoleucine, which is neutral and non-polar, with phenylalanine, which is neutral and non-polar, at codon 538 of the CAMK2B protein (p.Ile538Phe). This variant is not present in population databases (gnomAD no frequency). This variant has not been reported in the literature in individuals affected with CAMK2B-related conditions. ClinVar contains an entry for this variant (Variation ID: 1388706). Algorithms developed to predict the effect of missense changes on protein structure and function are either unavailable or do not agree on the potential impact of this missense change (SIFT: "Deleterious"; PolyPhen-2: "Possibly Damaging"; Align-GVGD: "Class C15"). In summary, the available evidence is currently insufficient to determine the role of this variant in disease. Therefore, it has been classified as a Variant of Uncertain Significance.